The following is an entry in ClinVar:

ClinVar aggregate classification (germline): Benign (1 of 4 stars; one submission).

Allele frequency attached by ClinVar (database versions not stated): 1000 Genomes Project 30x 0.30200; 1000 Genomes Project 0.30631; TOPMed 0.32687; gnomAD 0.34444 and 0.34841; gnomAD exomes 0.44168.
gnomAD v4.1: 345,738 of 817,232 alleles (42%); highest among the groups gnomAD compares: East Asian, 53%; 79,218 homozygotes.

Submission:

GeneDx
Classification: Benign. Last evaluated: 2018-06-14. Review status: criteria provided, single submitter. Criteria: GeneDx Variant Classification (06012015). Collection method: clinical testing. Allele origin: germline. Affected: yes.
Comment: This variant is considered likely benign or benign based on one or more of the following criteria: it is a conservative change, it occurs at a poorly conserved position in the protein, it is predicted to be benign by multiple in silico algorithms, and/or has population frequency not consistent with disease.

NM_022124.6(CDH23):c.145+135C>T

Gene: CDH23 (cadherin related 23; plus strand). Cytogenetic location: 10q22.1.
Variant type: single nucleotide variant.
Coding change: c.145+135C>T on transcript NM_022124.6 (MANE Select); 135 bases into the intron after coding-DNA position 145, C replaced by T.
Molecular consequence: intron variant.
Genome position (GRCh38, 1-based): chr10:71,446,530, C>T. VCF-style: chr10-71446530-C-T. GRCh37 (hg19) VCF-style: chr10-73206287-C-T.
Other names: c.145+135C>T (NM_001171930.2, NM_001171931.2, NM_052836.4 and 1 more transcripts).
Identifiers: ClinVar variation 678763 (VCV000678763.1), dbSNP rs12770610, ClinGen allele CA13159219.